The following is an entry in ClinVar:

ClinVar aggregate classification (germline): Uncertain significance. Review status: criteria provided, multiple submitters, no conflicts (2 of 4 stars). 3 submissions from 3 submitters: Uncertain significance (3). Last evaluated 2025-06-29.

Conditions:
Hereditary cancer-predisposing syndrome. Also called: Neoplastic Syndromes, Hereditary; Hereditary neoplastic syndrome; Tumor predisposition; Hereditary Cancer Syndrome. Identifiers: Orphanet 140162, MedGen C0027672, MeSH D009386, MONDO:0015356.
Ataxia-telangiectasia syndrome (AT). Also called: Ataxia telangiectasia (A-T); Cerebello-oculocutaneous telangiectasia; Immunodeficiency with ataxia telangiectasia; LOUIS-BAR SYNDROME; AT, COMPLEMENTATION GROUP C; ATAXIA-TELANGIECTASIA, FRESNO VARIANT. Identifiers: Orphanet 100, MedGen C0004135, MONDO:0008840, OMIM 208900.

Allele frequency attached by ClinVar (database versions not stated): gnomAD exomes below 0.00001; gnomAD 0.00001.
gnomAD v4.1: 2 of 1,612,716 alleles (0.00012%); highest among the groups gnomAD compares: South Asian, 0.0011%; no homozygotes.

Submissions (3):

Labcorp Genetics (formerly Invitae), Labcorp
Classification: Uncertain significance for Ataxia-telangiectasia syndrome. Last evaluated: 2025-06-29. Review status: criteria provided, single submitter. Criteria: Invitae Variant Classification Sherloc (09022015). Collection method: clinical testing. Allele origin: germline.
Comment: This sequence change replaces proline, which is neutral and non-polar, with leucine, which is neutral and non-polar, at codon 2518 of the ATM protein (p.Pro2518Leu). This variant is present in population databases (no rsID available, gnomAD 0.007%). This variant has not been reported in the literature in individuals affected with ATM-related conditions. ClinVar contains an entry for this variant (Variation ID: 246170). Invitae Evidence Modeling of protein sequence and biophysical properties (such as structural, functional, and spatial information, amino acid conservation, physicochemical variation, residue mobility, and thermodynamic stability) has been performed for this missense variant. However, the output from this modeling did not meet the statistical confidence thresholds required to predict the impact of this variant on ATM protein function. In summary, the available evidence is currently insufficient to determine the role of this variant in disease. Therefore, it has been classified as a Variant of Uncertain Significance.

Ambry Genetics
Classification: Uncertain significance for Hereditary cancer-predisposing syndrome. Last evaluated: 2022-11-03. Review status: criteria provided, single submitter. Criteria: Ambry Variant Classification Scheme 2023. Collection method: clinical testing. Allele origin: germline.
Comment: The p.P2518L variant (also known as c.7553C>T), located in coding exon 50 of the ATM gene, results from a C to T substitution at nucleotide position 7553. The proline at codon 2518 is replaced by leucine, an amino acid with similar properties. This amino acid position is highly conserved in available vertebrate species. In addition, this alteration is predicted to be deleterious by in silico analysis. Since supporting evidence is limited at this time, the clinical significance of this alteration remains unclear.

GeneDx
Classification: Uncertain significance. Last evaluated: 2015-11-30. Review status: criteria provided, single submitter. Criteria: GeneDx Variant Classification (06012015). Collection method: clinical testing. Allele origin: germline. Affected: yes.
Comment: This variant is denoted ATM c.7553C>T at the cDNA level, p.Pro2518Leu (P2518L) at the protein level, and results in the change of a Proline to a Leucine (CCT>CTT). This variant has not, to our knowledge, been published in the literature as pathogenic or benign. ATM Pro2518Leu was not observed in approximately 6,500 individuals of European and African American ancestry in the NHLBI Exome Sequencing Project, suggesting it is not a common benign variant in these populations. Since Proline and Leucine differ in some properties, this is considered a semi-conservative amino acid substitution. ATM Pro2518Leu occurs at a position that is conserved in mammals and is located within the FAT domain (Stracker 2013). In silico analyses predict that this variant is probably damaging to protein structure and function. Based on currently available evidence, it is unclear whether ATM Pro2518Leu is a pathogenic or benign variant. We consider it to be a variant of uncertain significance.

NM_000051.4(ATM):c.7553C>T (p.Pro2518Leu)

Genes: ATM (ATM serine/threonine kinase; plus strand), C11orf65 (chromosome 11 open reading frame 65; minus strand). Cytogenetic location: 11q22.3.
Variant type: single nucleotide variant.
Coding change: c.7553C>T on transcript NM_000051.4 (MANE Select); coding-DNA position 7553, C replaced by T.
Protein change: p.Pro2518Leu; replaces proline 2518 with leucine.
Molecular consequence: missense variant. On other transcripts: non-coding transcript variant (1), intron variant (2).
Genome position (GRCh38, 1-based): chr11:108,331,481, C>T. VCF-style: chr11-108331481-C-T. GRCh37 (hg19) VCF-style: chr11-108202208-C-T.
Other names: c.7553C>T, p.Pro2518Leu (NM_001351834.2); c.641-22410G>A (NM_001330368.2); c.*38+3739G>A (NM_001351110.2); short protein forms P2518L.
Identifiers: ClinVar variation 246170 (VCV000246170.13), dbSNP rs879254136, ClinGen allele CA10584368.